The following is an entry in ClinVar:

NM_001267550.2(TTN):c.51012G>T (p.Lys17004Asn)

Genes: TTN (titin; minus strand), TTN-AS1 (TTN antisense RNA 1; plus strand). Cytogenetic location: 2q31.2.
Variant type: single nucleotide variant.
Coding change: c.51012G>T on transcript NM_001267550.2 (MANE Select); coding-DNA position 51012, G replaced by T.
Protein change: p.Lys17004Asn; replaces lysine 17004 with asparagine.
Molecular consequence: missense variant.
Genome position (GRCh38, 1-based): chr2:178,611,117, C>A on the plus strand (G>T on the coding strand, the complement: TTN is on the minus strand). VCF-style: chr2-178611117-C-A. GRCh37 (hg19) VCF-style: chr2-179475844-C-A.
Other names: c.46089G>T, p.Lys15363Asn (NM_001256850.1); c.23817G>T, p.Lys7939Asn (NM_003319.4); c.43308G>T, p.Lys14436Asn (NM_133378.4); c.24192G>T, p.Lys8064Asn (NM_133432.3); c.24393G>T, p.Lys8131Asn (NM_133437.4); short protein forms K17004N, K15363N, K7939N, K14436N, K8064N, K8131N.
Identifiers: ClinVar variation 535703 (VCV000535703.8), dbSNP rs755153359, ClinGen allele CA1994264.

ClinVar aggregate classification (germline): Uncertain significance. Review status: criteria provided, multiple submitters, no conflicts (2 of 4 stars). 4 submissions from 4 submitters: Uncertain significance (4). Last evaluated 2026-02-16.

Conditions:
Autosomal recessive limb-girdle muscular dystrophy type 2J (LGMDR10). Also called: Limb-girdle muscular dystrophy, type 2J; MUSCULAR DYSTROPHY, LIMB-GIRDLE, AUTOSOMAL RECESSIVE 10. Identifiers: Orphanet 140922, MedGen C1837342, MONDO:0012127, OMIM 608807.
Dilated cardiomyopathy 1G (CMD1G). Identifiers: Orphanet 154, MedGen C1858763, MONDO:0011400, OMIM 604145.
Hypertrophic cardiomyopathy 9. Also called: Familial hypertrophic cardiomyopathy 9. Identifiers: MedGen C1861065, MONDO:0013412, OMIM 613765.
Tibial muscular dystrophy (TMD). Also called: UDD MYOPATHY; Udd Distal Myopathy – Tibial Muscular Dystrophy; Tibial muscular dystrophy, tardive. Identifiers: Orphanet 609, MedGen C1838244, MONDO:0010870, OMIM 600334.
Early-onset myopathy with fatal cardiomyopathy (CMYO5). Also called: CONGENITAL MYOPATHY 5 WITH CARDIOMYOPATHY; Salih Myopathy. Identifiers: Orphanet 289377, MedGen C2673677, MONDO:0012714, OMIM 611705. Disease mechanism: loss of function.
Myopathy, myofibrillar, 9, with early respiratory failure (MFM9). Also called: EDSTROM MYOPATHY; MYOPATHY, PROXIMAL, WITH EARLY RESPIRATORY MUSCLE INVOLVEMENT; Hereditary myopathy with early respiratory failure; Myopathy, distal, with early respiratory failure, autosomal dominant. Identifiers: Orphanet 178464, Orphanet 34521, MedGen C1863599, MONDO:0011362, OMIM 603689.

Allele frequency attached by ClinVar (database versions not stated): TOPMed below 0.00001; gnomAD exomes 0.00001; ExAC 0.00002.
gnomAD v4.1: 6 of 1,612,832 alleles (0.00037%); highest among the groups gnomAD compares: Non-Finnish European, 0.00051%; no homozygotes.

Submissions (4):

Women's Health and Genetics/Laboratory Corporation of America, LabCorp
Classification: Uncertain significance. Last evaluated: 2026-02-16. Review status: criteria provided, single submitter. Criteria: LabCorp Variant Classification Summary - May 2015. Collection method: clinical testing. Allele origin: germline.
Comment: Variant summary: TTN c.43308G>T (p.Lys14436Asn) results in a non-conservative amino acid change in the encoded protein sequence. Algorithms developed to predict the effect of missense changes on protein structure and function are either unavailable or do not agree on the potential impact of this missense change. The variant allele was found at a frequency of 8.1e-06 in 248392 control chromosomes. The available data on variant occurrences in the general population are insufficient to allow any conclusion about variant significance. c.43308G>T has been observed in an unknown state in at least 1 individual(s) affected with skeletal myopathy of unknown origin (example, Saravese_2020) without strong evidence for causality. These report(s) do not provide unequivocal conclusions about association of the variant with TTN-related conditions. To our knowledge, no experimental evidence demonstrating an impact on protein function has been reported. The following publication has been ascertained in the context of this evaluation (PMID: 32039858). ClinVar contains an entry for this variant (Variation ID: 535703). Based on the evidence outlined above, the variant was classified as uncertain significance.

Fulgent Genetics
Classification: Uncertain significance for Tibial muscular dystrophy; Myopathy, myofibrillar, 9, with early respiratory failure; Dilated cardiomyopathy 1G; Autosomal recessive limb-girdle muscular dystrophy type 2J; Early-onset myopathy with fatal cardiomyopathy; Hypertrophic cardiomyopathy 9. Last evaluated: 2021-10-16. Review status: criteria provided, single submitter. Criteria: ACMG Guidelines, 2015. Collection method: clinical testing. Allele origin: unknown.

Revvity Omics, Revvity
Classification: Uncertain significance. Last evaluated: 2019-10-01. Review status: criteria provided, single submitter. Criteria: ACMG Guidelines, 2015. Collection method: clinical testing. Allele origin: germline.

Labcorp Genetics (formerly Invitae), Labcorp
Classification: Uncertain significance for Dilated cardiomyopathy 1G; Autosomal recessive limb-girdle muscular dystrophy type 2J. Last evaluated: 2017-12-27. Review status: criteria provided, single submitter. Criteria: Invitae Variant Classification Sherloc (09022015). Collection method: clinical testing. Allele origin: germline.

Literature cited by the submitters: PubMed 32039858 (cited by Women's Health and Genetics/Laboratory Corporation of America, LabCorp).